The following is an entry in ClinVar:

NM_001242957.3(MAK):c.1228T>G (p.Leu410Val)

Gene: MAK (male germ cell associated kinase; minus strand). Cytogenetic location: 6p24.2.
Variant type: single nucleotide variant.
Coding change: c.1228T>G on transcript NM_001242957.3 (MANE Select); coding-DNA position 1228, T replaced by G.
Protein change: p.Leu410Val; replaces leucine 410 with valine.
Molecular consequence: missense variant. On other transcripts: non-coding transcript variant (2).
Genome position (GRCh38, 1-based): chr6:10,791,763, A>C on the plus strand (T>G on the coding strand, the complement: MAK is on the minus strand). VCF-style: chr6-10791763-A-C. GRCh37 (hg19) VCF-style: chr6-10791996-A-C.
Other names: c.1228T>G, p.Leu410Val (NM_001242385.2, NM_005906.6); c.1126T>G, p.Leu376Val (NM_001377262.1); short protein forms L410V, L376V.
Identifiers: ClinVar variation 2058970 (VCV002058970.4), dbSNP rs762551107, ClinGen allele CA362718627.

ClinVar aggregate classification (germline): Uncertain significance (1 of 4 stars; one submission).

Submission:

Labcorp Genetics (formerly Invitae), Labcorp
Classification: Uncertain significance. Last evaluated: 2022-02-09. Review status: criteria provided, single submitter. Criteria: Invitae Variant Classification Sherloc (09022015). Collection method: clinical testing. Allele origin: germline.
Comment: This variant has not been reported in the literature in individuals affected with MAK-related conditions. In summary, the available evidence is currently insufficient to determine the role of this variant in disease. Therefore, it has been classified as a Variant of Uncertain Significance. Experimental studies and prediction algorithms are not available or were not evaluated, and the functional significance of this variant is currently unknown. This variant is not present in population databases (gnomAD no frequency). This sequence change replaces leucine, which is neutral and non-polar, with valine, which is neutral and non-polar, at codon 410 of the MAK protein (p.Leu410Val).